The following is an entry in ClinVar:

ClinVar aggregate classification (germline): Uncertain significance (1 of 4 stars; one submission).

Conditions:
Progressive familial heart block type IB (PFHB1B). Identifiers: Orphanet 871, MedGen C1970298, MONDO:0011474, OMIM 604559.

Submission:

Labcorp Genetics (formerly Invitae), Labcorp
Classification: Uncertain significance for Progressive familial heart block type IB. Last evaluated: 2024-08-28. Review status: criteria provided, single submitter. Criteria: Invitae Variant Classification Sherloc (09022015). Collection method: clinical testing. Allele origin: germline.
Comment: This sequence change replaces serine, which is neutral and polar, with isoleucine, which is neutral and non-polar, at codon 536 of the TRPM4 protein (p.Ser536Ile). This variant is not present in population databases (gnomAD no frequency). This variant has not been reported in the literature in individuals affected with TRPM4-related conditions. An algorithm developed to predict the effect of missense changes on protein structure and function (PolyPhen-2) suggests that this variant is likely to be tolerated. In summary, the available evidence is currently insufficient to determine the role of this variant in disease. Therefore, it has been classified as a Variant of Uncertain Significance.

NM_017636.4(TRPM4):c.1607G>T (p.Ser536Ile)

Gene: TRPM4 (transient receptor potential cation channel subfamily M member 4; plus strand). Cytogenetic location: 19q13.33.
Variant type: single nucleotide variant.
Coding change: c.1607G>T on transcript NM_017636.4 (MANE Select); coding-DNA position 1607, G replaced by T.
Protein change: p.Ser536Ile; replaces serine 536 with isoleucine.
Molecular consequence: missense variant. On other transcripts: intron variant (1).
Genome position (GRCh38, 1-based): chr19:49,182,921, G>T. VCF-style: chr19-49182921-G-T. GRCh37 (hg19) VCF-style: chr19-49686178-G-T.
Other names: c.1607G>T, p.Ser536Ile (NM_001195227.2); c.1262G>T, p.Ser421Ile (NM_001321281.2); c.1085G>T, p.Ser362Ile (NM_001321283.2); c.545G>T, p.Ser182Ile (NM_001321285.2); c.-1+54G>T (NM_001321282.2); short protein forms S182I, S536I, S362I, S421I.
Identifiers: ClinVar variation 3669088 (VCV003669088.2).
Genomic context (GRCh38, chr19:49,182,921, plus strand): 5'-CGCCGAGGTACCCCTCCGGGGGCGCCTGGGACCCTCACCCAGGCCAGGGCTTCGGGGAGA[G>T]CGTAAGGACCGGGCAAAGCTGGGGGGCCCCCCCGCGCGGGAAGGACCTGGGGGCGGGATT-3'
Protein context (NP_060106.2, residues 526-546): DPHPGQGFGE[Ser536Ile]MYLLSDKATS